The following is an entry in ClinVar:

NM_001730.5(KLF5):c.1100T>A (p.Leu367Ter)

Gene: KLF5 (KLF transcription factor 5; plus strand). Cytogenetic location: 13q22.1.
Variant type: single nucleotide variant.
Coding change: c.1100T>A on transcript NM_001730.5 (MANE Select); coding-DNA position 1100, T replaced by A.
Protein change: p.Leu367Ter; replaces leucine 367 with a stop codon.
Molecular consequence: nonsense.
Genome position (GRCh38, 1-based): chr13:73,062,699, T>A. VCF-style: chr13-73062699-T-A. GRCh37 (hg19) VCF-style: chr13-73636837-T-A.
Other names: c.827T>A, p.Leu276Ter (NM_001286818.2); short protein forms L276*, L367*.
Identifiers: ClinVar variation 694066 (VCV000694066.3), dbSNP rs2044646731, ClinGen allele CA388349683.
Genomic context (GRCh38, chr13:73,062,699, plus strand): 5'-TGCCAGTTAACTCACAAAACATCCAACCTGTCAGATACAATAGAAGGAGTAACCCCGATT[T>A]GGAGAAACGACGCATCCACTACTGCGATTACCCTGGTATGTGCTCTTACCTGGTTGAAGC-3'

ClinVar aggregate classification (germline): Pathogenic (0 of 4 stars; one submission).

Conditions:
Dilated cardiomyopathy 1FF (CMD1FF). Identifiers: Orphanet 154, MedGen C2750091, MONDO:0013211, OMIM 613286.

Submission:

Cardiovascular Research Laboratory, Shanghai Chest Hospital, Shanghai Jiao Tong University
Classification: Pathogenic for Dilated cardiomyopathy 1FF. Last evaluated: 2019-10-01. Review status: no assertion criteria provided. Collection method: case-control. Allele origin: germline. Inheritance: Autosomal dominant inheritance. Affected: yes. Observed: 10 variant alleles, 10 heterozygotes. Clinical features observed: dilated cardiomyopathy.
Comment: In the current investigation, the entire coding exons and splicing junctions of the KLF5 gene were sequenced in 234 probands affected with DCM, and a heterozygous KLF5 mutation, NM_001730.5: c.1100T>A; Genetic analysis of the proband's family members revealed that the identified KLF5 mutation co-segregated with DCM in the family with complete penetrance. The nonsense mutation was neither detected in 506 control individuals nor reported in such population-genetics databases as ExAC, dbSNP and gnomAD. Biological assays with a dual-luciferase reporter assay system demonstrated that the mutant KLF5 protein had no transcriptional activity when compared with its wild-type counterpart. Furthermore, the mutation abrogated the synergistic transactivation between KLF5 and NFKB1, another pivotal transcription factor that has been causally linked to DCM. The findings indicate KLF5 as a new gene contributing to DCM in humans, implying potential implications for the precision medicine of DCM.